The following is an entry in ClinVar:

ClinVar aggregate classification (germline): Uncertain significance (1 of 4 stars; one submission).

Conditions:
Early Myoclonic Encephalopathy. Identifiers: MedGen C0270855.

gnomAD v4.1: 2 of 1,614,210 alleles (0.00012%); highest among the groups gnomAD compares: Non-Finnish European, 0.000085%; no homozygotes.

Submission:

Labcorp Genetics (formerly Invitae), Labcorp
Classification: Uncertain significance for Early Myoclonic Encephalopathy. Last evaluated: 2025-02-25. Review status: criteria provided, single submitter. Criteria: Invitae Variant Classification Sherloc (09022015). Collection method: clinical testing. Allele origin: germline.
Comment: This sequence change replaces serine, which is neutral and polar, with asparagine, which is neutral and polar, at codon 1520 of the JMJD1C protein (p.Ser1520Asn). This variant is not present in population databases (gnomAD no frequency). This variant has not been reported in the literature in individuals affected with JMJD1C-related conditions. Invitae Evidence Modeling of protein sequence and biophysical properties (such as structural, functional, and spatial information, amino acid conservation, physicochemical variation, residue mobility, and thermodynamic stability) indicates that this missense variant is not expected to disrupt JMJD1C protein function with a negative predictive value of 80%. In summary, the available evidence is currently insufficient to determine the role of this variant in disease. Therefore, it has been classified as a Variant of Uncertain Significance.

NM_032776.3(JMJD1C):c.4559G>A (p.Ser1520Asn)

Gene: JMJD1C (jumonji domain containing 1C; minus strand). Cytogenetic location: 10q21.3.
Variant type: single nucleotide variant.
Coding change: c.4559G>A on transcript NM_032776.3 (MANE Select); coding-DNA position 4559, G replaced by A.
Protein change: p.Ser1520Asn; replaces serine 1520 with asparagine.
Molecular consequence: missense variant. On other transcripts: non-coding transcript variant (1).
Genome position (GRCh38, 1-based): chr10:63,207,110, C>T on the plus strand (G>A on the coding strand, the complement: JMJD1C is on the minus strand). VCF-style: chr10-63207110-C-T. GRCh37 (hg19) VCF-style: chr10-64966870-C-T.
Other names: c.4013G>A, p.Ser1338Asn (NM_001282948.2, NM_001318154.2); c.3695G>A, p.Ser1232Asn (NM_001318153.2); c.4445G>A, p.Ser1482Asn (NM_001322252.2); c.3902G>A, p.Ser1301Asn (NM_001322254.2, NM_001322258.2); short protein forms S1232N, S1338N, S1520N, S1301N, S1482N.
Identifiers: ClinVar variation 4748268 (VCV004748268.1).